The following is an entry in ClinVar:

ClinVar aggregate classification (germline): Pathogenic (1 of 4 stars; one submission).

Submission:

Quest Diagnostics Nichols Institute San Juan Capistrano
Classification: Pathogenic. Last evaluated: 2020-05-29. Review status: criteria provided, single submitter. Criteria: Quest Diagnostics criteria. Collection method: clinical testing. Allele origin: unknown.
Comment: The variant results in a shift of the reading frame, and is therefore predicted to result in the loss of a functional protein. Found in at least one patient with expected phenotype for this gene, and not found in general population data.

Literature cited by the submitters: PubMed 17026565.

NM_000038.6(APC):c.2661del (p.Ile887fs)

Gene: APC (APC regulator of WNT signaling pathway; plus strand). Cytogenetic location: 5q22.2.
Variant type: Deletion.
Coding change: c.2661del on transcript NM_000038.6 (MANE Select); coding-DNA position 2661, one base deleted (T; older notation c.2661delT).
Protein change: p.Ile887fs; shifts the reading frame from isoleucine 887.
Molecular consequence: frameshift variant.
Genome position (GRCh38, 1-based): chr5:112,838,255, T deleted; the last of 2 consecutive T bases (chr5:112,838,254-112,838,255); deleting either gives the same sequence. VCF-style (leftmost placement, unchanged base first): chr5-112838253-AT-A. GRCh37 (hg19) VCF-style: chr5-112173950-AT-A.
Other names: c.2661del, p.Ile887fs (NM_001127510.3, NM_001354895.2); c.2607del, p.Ile869fs (NM_001127511.3); c.2715del, p.Ile905fs (NM_001354896.2); c.2691del, p.Ile897fs (NM_001354897.2); c.2586del, p.Ile862fs (NM_001354898.2); c.2577del, p.Ile859fs (NM_001354899.2); c.2538del, p.Ile846fs (NM_001354900.2); c.2484del, p.Ile828fs (NM_001354901.2); and 5 more; short protein forms I604fs, I727fs, I761fs, I786fs, I796fs, I828fs, I846fs, I859fs.
Identifiers: ClinVar variation 993150 (VCV000993150.1), dbSNP rs1765238670, ClinGen allele CA1139655916.
Genomic context (GRCh38, chr5:112,838,253, plus strand): 5'-ACAGAAAATCCAGGAACTTCTTCAAAGCGAGGTTTGCAGATCTCCACCACTGCAGCCCAG[AT>A]TGCCAAAGTCATGGAAGAAGTGTCAGCCATTCATACCTCTCAGGAAGACAGAAGTTCTGG-3'